The following is an entry in ClinVar:

ClinVar aggregate classification (germline): Likely pathogenic (1 of 4 stars; one submission).

Submission:

Labcorp Genetics (formerly Invitae), Labcorp
Classification: Likely pathogenic. Last evaluated: 2024-08-15. Review status: criteria provided, single submitter. Criteria: Invitae Variant Classification Sherloc (09022015). Collection method: clinical testing. Allele origin: germline.
Comment: This sequence change affects an acceptor splice site in intron 29 of the PCNT gene. It is expected to disrupt RNA splicing. Variants that disrupt the donor or acceptor splice site typically lead to a loss of protein function (PMID: 16199547), and loss-of-function variants in PCNT are known to be pathogenic (PMID: 18174396, 22821869). This variant is not present in population databases (gnomAD no frequency). This variant has not been reported in the literature in individuals affected with PCNT-related conditions. Algorithms developed to predict the effect of sequence changes on RNA splicing suggest that this variant may disrupt the consensus splice site. In summary, the currently available evidence indicates that the variant is pathogenic, but additional data are needed to prove that conclusively. Therefore, this variant has been classified as Likely Pathogenic.

Literature cited by the submitters: PubMed 16199547; PubMed 18174396; PubMed 22821869.

NM_006031.6(PCNT):c.6151-1G>T

Gene: PCNT (pericentrin; plus strand). Cytogenetic location: 21q22.3.
Variant type: single nucleotide variant.
Coding change: c.6151-1G>T on transcript NM_006031.6 (MANE Select); the canonical splice acceptor site of the intron before coding-DNA position 6151, G replaced by T.
Molecular consequence: splice acceptor variant.
Genome position (GRCh38, 1-based): chr21:46,416,068, G>T. VCF-style: chr21-46416068-G-T. GRCh37 (hg19) VCF-style: chr21-47835982-G-T.
Other names: c.5797-1G>T (NM_001315529.2).
Identifiers: ClinVar variation 3640745 (VCV003640745.2).